The following is an entry in ClinVar:

NM_022489.4(INF2):c.*2-48_*2-47del

Gene: INF2 (inverted formin 2; plus strand). Cytogenetic location: 14q32.33.
Variant type: Deletion.
Coding change: c.*2-48_*2-47del on transcript NM_022489.4 (MANE Select); 48 bases into the intron before 2 bases downstream of the stop codon through 47 bases into the intron before 2 bases downstream of the stop codon, 2 bases deleted (AC; older notation c.*2-48_*2-47delAC).
Molecular consequence: intron variant.
Genome position (GRCh38, 1-based): chr14:104,718,747-104,718,748, AC deleted. VCF-style (leftmost placement, unchanged base first): chr14-104718746-TAC-T. GRCh37 (hg19) VCF-style: chr14-105185083-TAC-T.
Other names: c.3695-48_3695-47del (NM_001031714.4).
Identifiers: ClinVar variation 1230059 (VCV001230059.5), dbSNP rs138798126, ClinGen allele CA7373421.

ClinVar aggregate classification (germline): Benign. Review status: criteria provided, multiple submitters, no conflicts (2 of 4 stars). 2 submissions from 2 submitters: Benign (2). Last evaluated 2024-07-15.

Allele frequency attached by ClinVar (database versions not stated): 1000 Genomes Project 0.11581; 1000 Genomes Project 30x 0.11618; gnomAD exomes 0.17296 and 0.20045; ExAC 0.17698; TOPMed 0.17812; gnomAD 0.17981 and 0.18413; ESP Exome Variant Server 0.18768.

Submissions (2):

Unidad de Genómica Garrahan, Hospital de Pediatría Garrahan
Classification: Benign. Last evaluated: 2024-07-15. Review status: criteria provided, single submitter. Criteria: ACMG Guidelines, 2015. Collection method: clinical testing. Allele origin: germline. Affected: no. Observed: 23 variant alleles.
Comment: This variant is classified as Benign based on local population frequency. This variant was detected in 25% of patients studied in a panel designed for Epileptic and Developmental Encephalopathy and Progressive Myoclonus Epilepsy. Number of patients: 23. Only high quality variants are reported.

GeneDx
Classification: Benign. Last evaluated: 2018-06-23. Review status: criteria provided, single submitter. Criteria: GeneDx Variant Classification Process June 2021. Collection method: clinical testing. Allele origin: germline. Affected: yes.